The following is an entry in ClinVar:

ClinVar aggregate classification (germline): Likely pathogenic. Review status: criteria provided, single submitter (1 of 4 stars). 3 submissions from 3 submitters: Likely pathogenic (1). 2 of the submissions do not count toward it. Last evaluated 2025-04-01.

Conditions:
Familial cold autoinflammatory syndrome 1 (FCAS1). Also called: Familial cold inflammatory syndrome 1; CRYOPYRIN-ASSOCIATED PERIODIC SYNDROME 1. Identifiers: Orphanet 47045, MedGen C4551895, MONDO:0007349, OMIM 120100.
Familial amyloid nephropathy with urticaria AND deafness (MWS). Also called: UDA SYNDROME; URTICARIA-DEAFNESS-AMYLOIDOSIS SYNDROME; MUCKLE-WELLS SYNDROME; Urticaria, deafness and amyloidosis; CRYOPYRIN-ASSOCIATED PERIODIC SYNDROME 2. Identifiers: Orphanet 575, MedGen C0268390, MONDO:0008633, OMIM 191900.

Submissions (3):

Next Generation Genetic Polyclinic
Classification: Likely pathogenic for Familial amyloid nephropathy with urticaria AND deafness. Last evaluated: 2025-04-01. Review status: criteria provided, single submitter. Criteria: ACMG Guidelines, 2015. Collection method: curation. Allele origin: germline. Affected: yes. Observed: 1 variant allele.
Comment: Novel missense variant in the NLRP3 gene (c.1705G>C; p.Val569Leu), identified in the heterozygous state. This variant alters a moderately conserved residue within the NACHT domain, critical for NLRP3 inflammasome function. Although no population frequency data is available (PM2), the variant is novel and not reported in gnomAD or other population databases. While in silico predictions were not available, the location within a functionally important domain and the gene’s known intolerance to variation in this region support a deleterious effect (PM1). The gene is associated with autosomal dominant and, in some contexts, autosomal recessive inflammatory diseases, such as CAPS. Clinical phenotype correlation would be necessary for further refinement of classification. Classified as Likely pathogenic. Meets ACMG criteria: PM1 (mutational hotspot/domain), PM2 (absence in population databases), PP2 (gene with low benign missense variation and known disease mechanism).

OMIM
Classification: Pathogenic for MUCKLE-WELLS SYNDROME. Last evaluated: 2002-06-01. Review status: no assertion criteria provided. Collection method: literature only. Allele origin: germline. Not counted in ClinVar's aggregate classification.

Unité médicale des maladies autoinflammatoires, CHRU Montpellier
No classification provided. Condition: Familial cold urticaria. Review status: no classification provided. Collection method: not provided. Allele origin: unknown. Not counted in ClinVar's aggregate classification.
Comment: also involved in OMIM 191900 and 607115

Literature cited by the submitters: PubMed 11992256 (cited by OMIM).

NM_001243133.2(NLRP3):c.1705G>C (p.Gly569Arg)

Gene: NLRP3 (NLR family pyrin domain containing 3; plus strand). Cytogenetic location: 1q44.
Variant type: single nucleotide variant.
Coding change: c.1705G>C on transcript NM_001243133.2 (MANE Select); coding-DNA position 1705, G replaced by C.
Protein change: p.Gly569Arg; replaces glycine 569 with arginine.
Molecular consequence: missense variant.
Genome position (GRCh38, 1-based): chr1:247,425,154, G>C. VCF-style: chr1-247425154-G-C. GRCh37 (hg19) VCF-style: chr1-247588456-G-C.
Other names: c.1705G>C, p.Gly569Arg (NM_001079821.3, NM_001127461.3, NM_001127462.3 and 1 more transcripts); c.1711G>C, p.Gly571Arg (NM_004895.5); short protein forms G569R, G571R.
Identifiers: ClinVar variation 4375 (VCV000004375.2), dbSNP rs121908151, ClinGen allele CA116788.